The following is an entry in ClinVar:

ClinVar aggregate classification (germline): Uncertain significance (1 of 4 stars; one submission).

Submission:

Labcorp Genetics (formerly Invitae), Labcorp
Classification: Uncertain significance. Last evaluated: 2022-11-29. Review status: criteria provided, single submitter. Criteria: Invitae Variant Classification Sherloc (09022015). Collection method: clinical testing. Allele origin: germline.
Comment: This sequence change creates a premature translational stop signal (p.Leu3418Glnfs*27) in the ASPM gene. While this is not anticipated to result in nonsense mediated decay, it is expected to disrupt the last 60 amino acid(s) of the ASPM protein. This variant is not present in population databases (gnomAD no frequency). This variant has not been reported in the literature in individuals affected with ASPM-related conditions. Experimental studies and prediction algorithms are not available or were not evaluated, and the functional significance of this variant is currently unknown. In summary, the available evidence is currently insufficient to determine the role of this variant in disease. Therefore, it has been classified as a Variant of Uncertain Significance.

NM_018136.5(ASPM):c.10253_10257del (p.Leu3418fs)

Gene: ASPM (assembly factor for spindle microtubules; minus strand). Cytogenetic location: 1q31.3.
Variant type: Deletion.
Coding change: c.10253_10257del on transcript NM_018136.5 (MANE Select); coding-DNA positions 10253 to 10257, 5 bases deleted (TTTAC; older notation c.10253_10257delTTTAC).
Protein change: p.Leu3418fs; shifts the reading frame from leucine 3418.
Molecular consequence: frameshift variant.
Genome position (GRCh38, 1-based): chr1:197,086,877-197,086,881, GTAAA deleted on the plus strand (TTTAC on the coding strand, the reverse complement: ASPM is on the minus strand); deleting any 5 consecutive bases within chr1:197,086,877-197,086,884 gives the same sequence; the c. name uses the placement nearest the transcript's 3' end. VCF-style (leftmost placement, unchanged base first): chr1-197086876-TGTAAA-T. GRCh37 (hg19) VCF-style: chr1-197056006-TGTAAA-T.
Other names: c.5498_5502del, p.Leu1833fs (NM_001206846.2); short protein forms L3418fs, L1833fs.
Identifiers: ClinVar variation 2796680 (VCV002796680.3), dbSNP rs1156414998, ClinGen allele CA729742507.